The following is an entry in ClinVar:

ClinVar aggregate classification (germline): Likely pathogenic (1 of 4 stars; one submission).

Submission:

GeneDx
Classification: Likely pathogenic. Last evaluated: 2018-07-06. Review status: criteria provided, single submitter. Criteria: GeneDx Variant Classification (06012015). Collection method: clinical testing. Allele origin: germline. Affected: yes.
Comment: The c.2264dupA variant in the ROR2 gene has not been reported previously as a pathogenic variant nor as a benign variant, to our knowledge. This variant is predicted to cause loss of normal protein function through protein truncation resulting in a stop codon where the last 189 amino acids are lost. The c.2264dupA variant is not observed in large population cohorts (Lek et al., 2016). We interpret c.2264dupA as a likely pathogenic variant.

NM_004560.4(ROR2):c.2264dup (p.Tyr755Ter)

Gene: ROR2 (receptor tyrosine kinase like orphan receptor 2; minus strand). Cytogenetic location: 9q22.31.
Variant type: Duplication.
Coding change: c.2264dup on transcript NM_004560.4 (MANE Select); coding-DNA position 2264, one base duplicated (A; older notation c.2264dupA).
Protein change: p.Tyr755Ter; replaces tyrosine 755 with a stop codon.
Molecular consequence: nonsense.
Genome position (GRCh38, 1-based): chr9:91,724,230, T duplicated on the plus strand (A on the coding strand, the reverse complement: ROR2 is on the minus strand). VCF-style (leftmost placement, unchanged base first): chr9-91724229-G-GT. GRCh37 (hg19) VCF-style: chr9-94486511-G-GT.
Other names: short protein forms Y755*.
Identifiers: ClinVar variation 817563 (VCV000817563.1), dbSNP rs1587652899, ClinGen allele CA915947030.
Genomic context (GRCh38, chr9:91,724,229, plus strand): 5'-GGTGCTCAGGGAGCTGGTCTGCGTGGTGTTGCTGGCCCCCGAGGTCTGCGCCGAGCTGTT[G>GT]TAGTTGGAAAGGTTGCCCCAGGCTCGGAGCCGGCTGTGGATGTCCTTGAAGCGGGGCCGC-3'